The following is an entry in ClinVar:

ClinVar aggregate classification (germline): Conflicting classifications of pathogenicity. Review status: criteria provided, conflicting classifications (1 of 4 stars). 7 submissions from 7 submitters: Uncertain significance (3); Benign (1); Likely benign (3). Last evaluated 2024-11-25.

Conditions:
Idiopathic generalized epilepsy. Also called: Generalised epilepsy; EIG. Identifiers: MedGen C0270850, MONDO:0005579, OMIM 600669.
Episodic ataxia type 5. Identifiers: Orphanet 211067, MedGen C1866039, MONDO:0013464, OMIM 613855.

Allele frequency attached by ClinVar (database versions not stated): gnomAD 0.00021 and 0.00023; ExAC 0.00052; TOPMed 0.00017; gnomAD exomes 0.00027 and 0.00029; 1000 Genomes Project 30x 0.00016; 1000 Genomes Project 0.00020.
gnomAD v4.1: 448 of 1,535,312 alleles (0.029%); highest among the groups gnomAD compares: Middle Eastern, 0.18%; 3 homozygotes.

Submissions (7):

Blueprint Genetics
Classification: Likely benign. Last evaluated: 2024-11-25. Review status: criteria provided, single submitter. Criteria: ACMG Guidelines, 2015. Collection method: clinical testing. Allele origin: germline.

CeGaT Center for Human Genetics Tuebingen
Classification: Likely benign. Last evaluated: 2024-07-01. Review status: criteria provided, single submitter. Criteria: CeGaT Center For Human Genetics Tuebingen Variant Classification Criteria Version 2. Collection method: clinical testing. Allele origin: germline. Affected: yes. Observed: 1 variant allele.
Comment: CACNB4: BS1

Labcorp Genetics (formerly Invitae), Labcorp
Classification: Uncertain significance for Idiopathic generalized epilepsy. Last evaluated: 2022-02-03. Review status: criteria provided, single submitter. Criteria: Invitae Variant Classification Sherloc (09022015). Collection method: clinical testing. Allele origin: germline.
Comment: This sequence change replaces serine, which is neutral and polar, with phenylalanine, which is neutral and non-polar, at codon 3 of the CACNB4 protein (p.Ser3Phe). This variant is present in population databases (rs542973906, gnomAD 0.05%). In summary, the available evidence is currently insufficient to determine the role of this variant in disease. Therefore, it has been classified as a Variant of Uncertain Significance. Algorithms developed to predict the effect of missense changes on protein structure and function (SIFT, PolyPhen-2, Align-GVGD) all suggest that this variant is likely to be tolerated. ClinVar contains an entry for this variant (Variation ID: 204938). This variant has not been reported in the literature in individuals affected with CACNB4-related conditions.

Ambry Genetics
Classification: Uncertain significance. Last evaluated: 2021-08-02. Review status: criteria provided, single submitter. Criteria: Ambry Variant Classification Scheme 2023. Collection method: clinical testing. Allele origin: germline.

Athena Diagnostics
Classification: Likely benign. Last evaluated: 2019-05-06. Review status: criteria provided, single submitter. Criteria: Athena Diagnostics Criteria. Collection method: clinical testing. Allele origin: germline.

Illumina Laboratory Services, Illumina
Classification: Benign for Episodic ataxia type 5. Last evaluated: 2018-01-13. Review status: criteria provided, single submitter. Criteria: ICSL Variant Classification Criteria 13 December 2019. Collection method: clinical testing. Allele origin: germline.
Comment: This variant was observed in the ICSL laboratory as part of a predisposition screen in an ostensibly healthy population. It had not been previously curated by ICSL or reported in the Human Gene Mutation Database (HGMD: prior to June 1st, 2018), and was therefore a candidate for classification through an automated scoring system. Utilizing variant allele frequency, disease prevalence and penetrance estimates, and inheritance mode, an automated score was calculated to assess if this variant is too frequent to cause the disease. Based on the score and internal cut-off values, a variant classified as benign is not then subjected to further curation. The score for this variant resulted in a classification of benign for this disease.

GeneDx
Classification: Uncertain significance. Last evaluated: 2014-12-31. Review status: criteria provided, single submitter. Criteria: GeneDx Variant Classification (06012015). Collection method: clinical testing. Allele origin: germline. Affected: yes.
Comment: p.Ser3Phe (TCC>TTC): c.8 C>T in exon 1 of the CACNB4 gene (NM_000726.2). The S3F variant has not been published as a mutation, nor has it been reported as a benign polymorphism to our knowledge. It was not observed in approximately 6,000 individuals of European and African American ancestry in the NHLBI Exome Sequencing Project, indicating it is not a common benign variant in these populations. The S3F variant is a non-conservative amino acid substitution, which is likely to impact secondary protein structure as these residues differ in polarity, charge, size and/or other properties. However, this substitution occurs at a position that is not conserved across species in the N-terminal region of the CACNB4 protein. Additionally, to date only a small number of substitutions in CACNB4 have been published in association with epilepsy, and no disease-associated mutations have been reported in the N-terminal region of the protein (Excayg et al., 2000; Ohmori et al., 2008). In silico analysis is inconsistent in its predictions as to whether or not the variant is damaging to the protein structure/function. Therefore, based on the currently available information, it is unclear whether this variant is a pathogenic mutation or a rare benign variant. The variant is found in INFANT-EPI panel(s).

NM_000726.5(CACNB4):c.8C>T (p.Ser3Phe)

Genes: CACNB4 (calcium voltage-gated channel auxiliary subunit beta 4; minus strand), LOC129934925 (ATAC-STARR-seq lymphoblastoid silent region 12010; plus strand). Cytogenetic location: 2q23.3.
Variant type: single nucleotide variant.
Coding change: c.8C>T on transcript NM_000726.5 (MANE Select); coding-DNA position 8, C replaced by T.
Protein change: p.Ser3Phe; replaces serine 3 with phenylalanine.
Molecular consequence: missense variant.
Genome position (GRCh38, 1-based): chr2:152,099,004, G>A on the plus strand (C>T on the coding strand, the complement: CACNB4 is on the minus strand). VCF-style: chr2-152099004-G-A. GRCh37 (hg19) VCF-style: chr2-152955518-G-A.
Other names: p.S3F:TCC>TTC; c.8C>T, p.Ser3Phe (NM_001145798.3); short protein forms S3F.
Identifiers: ClinVar variation 204938 (VCV000204938.34), dbSNP rs542973906, ClinGen allele CA313402.